The following is an entry in ClinVar:

NM_198859.4(PRICKLE2):c.1903T>C (p.Ser635Pro)

Genes: PRICKLE2 (prickle planar cell polarity protein 2; minus strand), PRICKLE2-AS1 (PRICKLE2 antisense RNA 1; plus strand). Cytogenetic location: 3p14.1.
Variant type: single nucleotide variant.
Coding change: c.1903T>C on transcript NM_198859.4 (MANE Select); coding-DNA position 1903, T replaced by C.
Protein change: p.Ser635Pro; replaces serine 635 with proline.
Molecular consequence: missense variant. On other transcripts: non-coding transcript variant (1).
Genome position (GRCh38, 1-based): chr3:64,099,683, A>G on the plus strand (T>C on the coding strand, the complement: PRICKLE2 is on the minus strand). VCF-style: chr3-64099683-A-G. GRCh37 (hg19) VCF-style: chr3-64085359-A-G.
Other names: c.1903T>C, p.Ser635Pro (NM_001370528.1); c.1903T>C (NM_198859.3); short protein forms S635P.
Identifiers: ClinVar variation 1046544 (VCV001046544.6), dbSNP rs775727925, ClinGen allele CA2479529.

ClinVar aggregate classification (germline): Uncertain significance. Review status: criteria provided, multiple submitters, no conflicts (2 of 4 stars). 2 submissions from 2 submitters: Uncertain significance (2). Last evaluated 2024-10-25.

Conditions:
Progressive myoclonic epilepsy type 5. Identifiers: Orphanet 402082, MedGen C5190799.

Allele frequency attached by ClinVar (database versions not stated): TOPMed 0.00008.
gnomAD v4.1: 22 of 1,614,046 alleles (0.0014%); highest among the groups gnomAD compares: Admixed American, 0.005%; no homozygotes.

Submissions (2):

Ambry Genetics
Classification: Uncertain significance. Last evaluated: 2024-10-25. Review status: criteria provided, single submitter. Criteria: Ambry Variant Classification Scheme 2023. Collection method: clinical testing. Allele origin: germline.

Labcorp Genetics (formerly Invitae), Labcorp
Classification: Uncertain significance for Progressive myoclonic epilepsy type 5. Last evaluated: 2024-08-12. Review status: criteria provided, single submitter. Criteria: Invitae Variant Classification Sherloc (09022015). Collection method: clinical testing. Allele origin: germline.
Comment: This sequence change replaces serine, which is neutral and polar, with proline, which is neutral and non-polar, at codon 635 of the PRICKLE2 protein (p.Ser635Pro). This variant is present in population databases (rs775727925, gnomAD 0.007%). This variant has not been reported in the literature in individuals affected with PRICKLE2-related conditions. ClinVar contains an entry for this variant (Variation ID: 1046544). Advanced modeling of protein sequence and biophysical properties (such as structural, functional, and spatial information, amino acid conservation, physicochemical variation, residue mobility, and thermodynamic stability) performed at Invitae indicates that this missense variant is not expected to disrupt PRICKLE2 protein function with a negative predictive value of 80%. In summary, the available evidence is currently insufficient to determine the role of this variant in disease. Therefore, it has been classified as a Variant of Uncertain Significance.